The following is an entry in ClinVar:

ClinVar aggregate classification (germline): Uncertain significance (1 of 4 stars; one submission).

gnomAD v4.1: 1 of 1,613,574 alleles (0.000062%); highest among the groups gnomAD compares: Admixed American, 0.0017%; no homozygotes.

Submission:

GeneDx
Classification: Uncertain significance. Last evaluated: 2025-04-28. Review status: criteria provided, single submitter. Criteria: GeneDx Variant Classification Process June 2021. Collection method: clinical testing. Allele origin: germline. Affected: yes.
Comment: Not observed at significant frequency in large population cohorts (gnomAD); In silico analysis supports that this missense variant has a deleterious effect on protein structure/function; Has not been previously published as pathogenic or benign to our knowledge; This variant is associated with the following publications: (PMID: 22696272)

NM_000093.5(COL5A1):c.5228C>T (p.Thr1743Ile)

Genes: COL5A1 (collagen type V alpha 1 chain; plus strand), LOC101448202 (uncharacterized LOC101448202; minus strand). Cytogenetic location: 9q34.3.
Variant type: single nucleotide variant.
Coding change: c.5228C>T on transcript NM_000093.5 (MANE Select); coding-DNA position 5228, C replaced by T.
Protein change: p.Thr1743Ile; replaces threonine 1743 with isoleucine.
Molecular consequence: missense variant.
Genome position (GRCh38, 1-based): chr9:134,835,062, C>T. VCF-style: chr9-134835062-C-T. GRCh37 (hg19) VCF-style: chr9-137726908-C-T.
Other names: c.5228C>T, p.Thr1743Ile (NM_001278074.1); short protein forms T1743I.
Identifiers: ClinVar variation 4527739 (VCV004527739.1).